The following is an entry in ClinVar:

ClinVar aggregate classification (germline): Conflicting classifications of pathogenicity. Review status: criteria provided, conflicting classifications (1 of 4 stars). 4 submissions from 4 submitters: Uncertain significance (2); Likely benign (1). 1 of the submissions does not count toward it. Last evaluated 2025-10-10.

Conditions:
WDR62-related disorder. Also called: WDR62-related condition.

Allele frequency attached by ClinVar (database versions not stated): 1000 Genomes Project 0.00020; 1000 Genomes Project 30x 0.00031; gnomAD 0.00075 and 0.00084; TOPMed 0.00080; ESP Exome Variant Server 0.00100.
gnomAD v4.1: 206 of 1,614,124 alleles (0.013%); highest among the groups gnomAD compares: African/African-American, 0.25%; no homozygotes.

Submissions (4):

Labcorp Genetics (formerly Invitae), Labcorp
Classification: Likely benign. Last evaluated: 2025-10-10. Review status: criteria provided, single submitter. Criteria: Invitae Variant Classification Sherloc (09022015). Collection method: clinical testing. Allele origin: germline.

GeneDx
Classification: Uncertain significance. Last evaluated: 2021-06-21. Review status: criteria provided, single submitter. Criteria: GeneDx Variant Classification Process June 2021. Collection method: clinical testing. Allele origin: germline. Affected: yes.
Comment: This variant is associated with the following publications: (PMID: 27535533)

Eurofins Ntd Llc (ga)
Classification: Uncertain significance. Last evaluated: 2017-01-24. Review status: criteria provided, single submitter. Criteria: EGL Classification Definitions 2015. Collection method: clinical testing. Allele origin: germline. Observed: 2 variant alleles, 2 heterozygotes.

PreventionGenetics, part of Exact Sciences
Classification: Likely benign for WDR62-related condition. Last evaluated: 2023-01-04. Review status: no assertion criteria provided. Collection method: clinical testing. Allele origin: germline. Not counted in ClinVar's aggregate classification.
Comment: This variant is classified as likely benign based on ACMG/AMP sequence variant interpretation guidelines (Richards et al. 2015 PMID: 25741868, with internal and published modifications).

NM_001083961.2(WDR62):c.2381C>G (p.Pro794Arg)

Gene: WDR62 (WD repeat domain 62; plus strand). Cytogenetic location: 19q13.12.
Variant type: single nucleotide variant.
Coding change: c.2381C>G on transcript NM_001083961.2 (MANE Select); coding-DNA position 2381, C replaced by G.
Protein change: p.Pro794Arg; replaces proline 794 with arginine.
Molecular consequence: missense variant.
Genome position (GRCh38, 1-based): chr19:36,094,078, C>G. VCF-style: chr19-36094078-C-G. GRCh37 (hg19) VCF-style: chr19-36584980-C-G.
Other names: c.2381C>G, p.Pro794Arg (NM_173636.5); short protein forms P794R.
Identifiers: ClinVar variation 496906 (VCV000496906.16), dbSNP rs149431376, ClinGen allele CA9395926.